The following is an entry in ClinVar:

NM_000393.5(COL5A2):c.1492G>A (p.Gly498Ser)

Gene: COL5A2 (collagen type V alpha 2 chain; minus strand). Cytogenetic location: 2q32.2.
Variant type: single nucleotide variant.
Coding change: c.1492G>A on transcript NM_000393.5 (MANE Select); coding-DNA position 1492, G replaced by A.
Protein change: p.Gly498Ser; replaces glycine 498 with serine.
Molecular consequence: missense variant.
Genome position (GRCh38, 1-based): chr2:189,066,461, C>T on the plus strand (G>A on the coding strand, the complement: COL5A2 is on the minus strand). VCF-style: chr2-189066461-C-T. GRCh37 (hg19) VCF-style: chr2-189931187-C-T.
Other names: p.G498S:GGT>AGT; short protein forms G498S.
Identifiers: ClinVar variation 213096 (VCV000213096.5), dbSNP rs780495441, ClinGen allele CA322472.
Genomic context (GRCh38, chr2:189,066,461, plus strand): 5'-CTGGCCCTGGAGGACCAACTGTTCCTGGGTCACCTCTGGGACCTCTTTTGCCTTCTTCAC[C>T]GGGTGGGCCTATCGGACCCTGAATACCATGTGGCCCCTGTTAAAAACAGAAGGACAGTTA-3'
Protein context (NP_000384.2, residues 488-508): HGIQGPIGPP[Gly498Ser]EEGKRGPRGD

ClinVar aggregate classification (germline): Uncertain significance. Review status: criteria provided, multiple submitters, no conflicts (2 of 4 stars). 3 submissions from 3 submitters: Uncertain significance (3). Last evaluated 2023-06-13.

Conditions:
Ehlers-Danlos syndrome, classic type, 1 (EDSCL1). Also called: EHLERS-DANLOS SYNDROME, GRAVIS TYPE; EHLERS-DANLOS SYNDROME, SEVERE CLASSIC TYPE; Ehlers-Danlos syndrome, type 1; Ehlers-Danlos Syndrome, Classic Type, COL5A1-Related; EDS I. Identifiers: MedGen C0268335, MONDO:0019567, OMIM 130000.

Allele frequency attached by ClinVar (database versions not stated): gnomAD 0.00001; TOPMed 0.00001; ExAC 0.00002; gnomAD exomes 0.00002 and 0.00004.
gnomAD v4.1: 54 of 1,614,020 alleles (0.0033%); highest among the groups gnomAD compares: Non-Finnish European, 0.0043%; no homozygotes.

Submissions (3):

Blueprint Genetics
Classification: Uncertain significance. Last evaluated: 2023-06-13. Review status: criteria provided, single submitter. Criteria: ACMG Guidelines, 2015. Collection method: clinical testing. Allele origin: germline.

Labcorp Genetics (formerly Invitae), Labcorp
Classification: Uncertain significance for Ehlers-Danlos syndrome, classic type, 1. Last evaluated: 2023-05-30. Review status: criteria provided, single submitter. Criteria: Invitae Variant Classification Sherloc (09022015). Collection method: clinical testing. Allele origin: germline.
Comment: This variant is present in population databases (rs780495441, gnomAD 0.003%). In summary, the available evidence is currently insufficient to determine the role of this variant in disease. Therefore, it has been classified as a Variant of Uncertain Significance. Advanced modeling of protein sequence and biophysical properties (such as structural, functional, and spatial information, amino acid conservation, physicochemical variation, residue mobility, and thermodynamic stability) performed at Invitae indicates that this missense variant is expected to disrupt COL5A2 protein function. ClinVar contains an entry for this variant (Variation ID: 213096). This variant has not been reported in the literature in individuals affected with COL5A2-related conditions. This sequence change replaces glycine, which is neutral and non-polar, with serine, which is neutral and polar, at codon 498 of the COL5A2 protein (p.Gly498Ser).

GeneDx
Classification: Uncertain significance. Last evaluated: 2019-12-27. Review status: criteria provided, single submitter. Criteria: GeneDx Variant Classification Process June 2021. Collection method: clinical testing. Allele origin: germline. Affected: yes.
Comment: Has not been previously published as pathogenic or benign to our knowledge; Not observed at a significant frequency in large population cohorts (Lek et al., 2016); In silico analysis, which includes protein predictors and evolutionary conservation, supports a deleterious effect